The following is an entry in ClinVar:

ClinVar aggregate classification (germline): Uncertain significance (1 of 4 stars; one submission).

gnomAD v4.1: 1 of 1,614,208 alleles (0.000062%); highest among the groups gnomAD compares: Non-Finnish European, 0.000085%; no homozygotes.

Submission:

Labcorp Genetics (formerly Invitae), Labcorp
Classification: Uncertain significance. Last evaluated: 2025-06-02. Review status: criteria provided, single submitter. Criteria: Invitae Variant Classification Sherloc (09022015). Collection method: clinical testing. Allele origin: germline.
Comment: This sequence change replaces isoleucine, which is neutral and non-polar, with threonine, which is neutral and polar, at codon 1794 of the CACNA1D protein (p.Ile1794Thr). This variant is not present in population databases (gnomAD no frequency). This variant has not been reported in the literature in individuals affected with CACNA1D-related conditions. ClinVar contains an entry for this variant (Variation ID: 3612392). An algorithm developed to predict the effect of missense changes on protein structure and function outputs the following: PolyPhen-2: "Benign". The threonine amino acid residue is found in multiple mammalian species, which suggests that this missense change does not adversely affect protein function. In summary, the available evidence is currently insufficient to determine the role of this variant in disease. Therefore, it has been classified as a Variant of Uncertain Significance.

NM_001128840.3(CACNA1D):c.5321T>C (p.Ile1774Thr)

Gene: CACNA1D (calcium voltage-gated channel subunit alpha1 D; plus strand). Cytogenetic location: 3p21.1.
Variant type: single nucleotide variant.
Coding change: c.5321T>C on transcript NM_001128840.3 (MANE Select); coding-DNA position 5321, T replaced by C.
Protein change: p.Ile1774Thr; replaces isoleucine 1774 with threonine.
Molecular consequence: missense variant.
Genome position (GRCh38, 1-based): chr3:53,801,338, T>C. VCF-style: chr3-53801338-T-C. GRCh37 (hg19) VCF-style: chr3-53835365-T-C.
Other names: c.5381T>C, p.Ile1794Thr (NM_000720.4); c.5276T>C, p.Ile1759Thr (NM_001128839.3); short protein forms I1759T, I1774T, I1794T.
Identifiers: ClinVar variation 3612392 (VCV003612392.2).